The following is an entry in ClinVar:

ClinVar aggregate classification (germline): Benign (1 of 4 stars; one submission).

Conditions:
MELAS syndrome (MELAS). Also called: Juvenile myopathy, encephalopathy, lactic acidosis, stroke. Identifiers: Orphanet 550, MedGen C0162671, MONDO:0010789, OMIM 540000.

Submission:

Wong Mito Lab, Molecular and Human Genetics, Baylor College of Medicine
Classification: Benign for MELAS syndrome. Last evaluated: 2019-07-12. Review status: criteria provided, single submitter. Criteria: Modified ACMG Guidelines (Unpublished). Collection method: clinical testing. Allele origin: germline.
Comment: The NC_012920.1:m.12172A>G variant in MT-TH gene is interpreted to be a Benign variant based on the modified ACMG guidelines (unpublished). This variant meets the following evidence codes reported in the guidelines: BA1, BP4

Literature cited by the submitters: PubMed 31965079.

NC_012920.1(MT-TH):m.12172A>G

Gene: MT-TH (mitochondrially encoded tRNA histidine; plus strand).
Variant type: single nucleotide variant.
Genome position: chrM-12172-A-G.
Identifiers: ClinVar variation 690142 (VCV000690142.1), dbSNP rs1556424073, ClinGen allele CA913169577.